The following is an entry in ClinVar:

ClinVar aggregate classification (germline): Uncertain significance (1 of 4 stars; one submission).

Conditions:
LEPR-related disorder. Also called: LEPR-related condition; LEPR-related disorders.

Submission:

PreventionGenetics, part of Exact Sciences
Classification: Uncertain significance for LEPR-related condition. Last evaluated: 2026-04-01. Review status: criteria provided, single submitter. Criteria: ACMG Guidelines, 2015. Collection method: clinical testing. Allele origin: germline.
Comment: The LEPR c.40+4A>T variant is predicted to interfere with splicing. This variant is predicted to alter splicing based on available splicing prediction programs (SpliceAI, Jaganathan et al. 2019. PubMed ID: 30661751). However, the use of computer prediction programs is not equivalent to functional evidence. To our knowledge, this variant has not been reported in the literature or in a large population database (gnomAD), indicating this variant is rare. At this time, the clinical significance of this variant is uncertain due to the absence of conclusive functional and genetic evidence.

NM_002303.6(LEPR):c.40+4A>T

Gene: LEPR (leptin receptor; plus strand). Cytogenetic location: 1p31.3.
Variant type: single nucleotide variant.
Coding change: c.40+4A>T on transcript NM_002303.6 (MANE Select); 4 bases into the intron after coding-DNA position 40, A replaced by T.
Molecular consequence: intron variant.
Genome position (GRCh38, 1-based): chr1:65,565,609, A>T. VCF-style: chr1-65565609-A-T. GRCh37 (hg19) VCF-style: chr1-66031292-A-T.
Other names: c.40+4A>T (NM_001003679.3, NM_001003680.3, NM_001198689.2 and 2 more transcripts).
Identifiers: ClinVar variation 4996000 (VCV004996000.1).
Genomic context (GRCh38, chr1:65,565,609, plus strand): 5'-TACTTCTCTGAAGTAAGATGATTTGTCAAAAATTCTGTGTGGTTTTGTTACATTGGGGTA[A>T]GTTATTTGCTCATTTGCTGTTTTAATGCCCTTAAACATGGTAGAGATTTTGCCTTTAGAG-3'